The following is an entry in ClinVar:

NM_019892.6(INPP5E):c.894C>T (p.Asn298=)

Gene: INPP5E (inositol polyphosphate-5-phosphatase E; minus strand). Cytogenetic location: 9q34.3.
Variant type: single nucleotide variant.
Coding change: c.894C>T on transcript NM_019892.6 (MANE Select); coding-DNA position 894, C replaced by T.
Protein change: p.Asn298=; no amino-acid change (asparagine 298 retained).
Molecular consequence: synonymous variant.
Genome position (GRCh38, 1-based): chr9:136,434,782, G>A on the plus strand (C>T on the coding strand, the complement: INPP5E is on the minus strand). VCF-style: chr9-136434782-G-A. GRCh37 (hg19) VCF-style: chr9-139329234-G-A.
Other names: c.894C>T (NM_019892.5); c.894C>T, p.Asn298= (NM_001318502.2).
Identifiers: ClinVar variation 695497 (VCV000695497.10), dbSNP rs1315162454, ClinGen allele CA5337042.
Genomic context (GRCh38, chr9:136,434,782, plus strand): 5'-CCACCCACAGCCACTCACCTTCTGGCCCTGCATGTTCCAGGTGGCCACGAAGAGTGCCAC[G>A]TTCCGGTCTGGGAAGTAGCGGGCCAGCTCATCCGCCCCCAACAGGGCCCCGCTGGCCAGG-3'
Protein context (NP_063945.2, residues 288-308): DELARYFPDR[Asn298=]VALFVATWNM

ClinVar aggregate classification (germline): Likely benign. Review status: criteria provided, multiple submitters, no conflicts (2 of 4 stars). 3 submissions from 3 submitters: Likely benign (3). Last evaluated 2026-06-08.

Conditions:
INPP5E-related disorder. Also called: INPP5E-related condition.
Joubert syndrome. Also called: Familial aplasia of the vermis; JOUBERT-BOLTSHAUSER SYNDROME. Identifiers: Orphanet 475, MedGen C5979921, MONDO:0018772.

Allele frequency attached by ClinVar (database versions not stated): gnomAD 0.00001; gnomAD exomes 0.00001 and 0.00003; TOPMed 0.00002; ExAC 0.00005.
gnomAD v4.1: 21 of 1,566,166 alleles (0.0013%); highest among the groups gnomAD compares: East Asian, 0.0072%; no homozygotes.

Submissions (3):

PreventionGenetics, part of Exact Sciences
Classification: Likely benign for INPP5E-related condition. Last evaluated: 2026-06-08. Review status: criteria provided, single submitter. Criteria: ACMG Guidelines, 2015. Collection method: clinical testing. Allele origin: germline.
Comment: This variant is classified as likely benign based on ACMG/AMP sequence variant interpretation guidelines (Richards et al. 2015 PMID: 25741868, with internal and published modifications).

Labcorp Genetics (formerly Invitae), Labcorp
Classification: Likely benign for Joubert syndrome. Last evaluated: 2025-04-01. Review status: criteria provided, single submitter. Criteria: Invitae Variant Classification Sherloc (09022015). Collection method: clinical testing. Allele origin: germline.

Blueprint Genetics
Classification: Likely benign. Last evaluated: 2023-10-23. Review status: criteria provided, single submitter. Criteria: ACMG Guidelines, 2015. Collection method: clinical testing. Allele origin: germline.